The following is an entry in ClinVar:

ClinVar aggregate classification (germline): Uncertain significance (1 of 4 stars; one submission).

Conditions:
Neonatal-onset encephalopathy with rigidity and seizures. Also called: Lethal neonatal spasticity-epileptic encephalopathy syndrome. Identifiers: Orphanet 435845, MedGen C3281029, MONDO:0013784, OMIM 614498.

Allele frequency attached by ClinVar (database versions not stated): gnomAD exomes below 0.00001; ExAC 0.00001.
gnomAD v4.1: 1 of 1,552,844 alleles (0.000064%); highest among the groups gnomAD compares: Admixed American, 0.0023%; no homozygotes.

Submission:

Labcorp Genetics (formerly Invitae), Labcorp
Classification: Uncertain significance for Neonatal-onset encephalopathy with rigidity and seizures. Last evaluated: 2023-07-06. Review status: criteria provided, single submitter. Criteria: Invitae Variant Classification Sherloc (09022015). Collection method: clinical testing. Allele origin: germline.
Comment: This variant has not been reported in the literature in individuals affected with BRAT1-related conditions. ClinVar contains an entry for this variant (Variation ID: 2090488). Advanced modeling of protein sequence and biophysical properties (such as structural, functional, and spatial information, amino acid conservation, physicochemical variation, residue mobility, and thermodynamic stability) performed at Invitae indicates that this missense variant is expected to disrupt BRAT1 protein function. In summary, the available evidence is currently insufficient to determine the role of this variant in disease. Therefore, it has been classified as a Variant of Uncertain Significance. This variant is present in population databases (rs774132110, gnomAD 0.005%). This sequence change replaces serine, which is neutral and polar, with phenylalanine, which is neutral and non-polar, at codon 462 of the BRAT1 protein (p.Ser462Phe).

NM_152743.4(BRAT1):c.1385C>T (p.Ser462Phe)

Gene: BRAT1 (BRCA1 associated ATM activator 1; minus strand). Cytogenetic location: 7p22.3.
Variant type: single nucleotide variant.
Coding change: c.1385C>T on transcript NM_152743.4 (MANE Select); coding-DNA position 1385, C replaced by T.
Protein change: p.Ser462Phe; replaces serine 462 with phenylalanine.
Molecular consequence: missense variant. On other transcripts: non-coding transcript variant (1).
Genome position (GRCh38, 1-based): chr7:2,540,989, G>A on the plus strand (C>T on the coding strand, the complement: BRAT1 is on the minus strand). VCF-style: chr7-2540989-G-A. GRCh37 (hg19) VCF-style: chr7-2580623-G-A.
Other names: c.1385C>T, p.Ser462Phe (NM_001350626.2); c.860C>T, p.Ser287Phe (NM_001350627.2); short protein forms S462F, S287F.
Identifiers: ClinVar variation 2090488 (VCV002090488.4), dbSNP rs774132110, ClinGen allele CA4127779.